The following is an entry in ClinVar:

ClinVar aggregate classification (germline): Uncertain significance (1 of 4 stars; one submission).

Submission:

Labcorp Genetics (formerly Invitae), Labcorp
Classification: Uncertain significance. Last evaluated: 2025-10-28. Review status: criteria provided, single submitter. Criteria: Invitae Variant Classification Sherloc (09022015). Collection method: clinical testing. Allele origin: germline.
Comment: This sequence change replaces alanine, which is neutral and non-polar, with threonine, which is neutral and polar, at codon 306 of the FCHO1 protein (p.Ala306Thr). The frequency data for this variant in the population databases is considered unreliable, as metrics indicate poor data quality at this position in the gnomAD database. This variant has not been reported in the literature in individuals affected with FCHO1-related conditions. An algorithm developed to predict the effect of missense changes on protein structure and function (PolyPhen-2) suggests that this variant is likely to be tolerated. In summary, the available evidence is currently insufficient to determine the role of this variant in disease. Therefore, it has been classified as a Variant of Uncertain Significance.

NM_015122.3(FCHO1):c.916G>A (p.Ala306Thr)

Gene: FCHO1 (FCH and mu domain containing endocytic adaptor 1; plus strand). Cytogenetic location: 19p13.11.
Variant type: single nucleotide variant.
Coding change: c.916G>A on transcript NM_015122.3 (MANE Select); coding-DNA position 916, G replaced by A.
Protein change: p.Ala306Thr; replaces alanine 306 with threonine.
Molecular consequence: missense variant. On other transcripts: non-coding transcript variant (36).
Genome position (GRCh38, 1-based): chr19:17,774,474, G>A. VCF-style: chr19-17774474-G-A. GRCh37 (hg19) VCF-style: chr19-17885283-G-A.
Other names: c.916G>A, p.Ala306Thr (NM_001384377.1, NM_001384378.1, NM_001384379.1 and 25 more transcripts); c.766G>A, p.Ala256Thr (NM_001384384.1, NM_001384385.1, NM_001384386.1 and 3 more transcripts); c.877G>A, p.Ala293Thr (NM_001384388.1, NM_001384405.1, NM_001384389.1); c.871G>A, p.Ala291Thr (NM_001384403.1); c.841G>A, p.Ala281Thr (NM_001384390.1); short protein forms A293T, A256T, A281T, A291T, A306T.
Identifiers: ClinVar variation 4775518 (VCV004775518.1).